The following is an entry in ClinVar:

NM_000051.4(ATM):c.6037G>C (p.Gly2013Arg)

Genes: ATM (ATM serine/threonine kinase; plus strand), C11orf65 (chromosome 11 open reading frame 65; minus strand). Cytogenetic location: 11q22.3.
Variant type: single nucleotide variant.
Coding change: c.6037G>C on transcript NM_000051.4 (MANE Select); coding-DNA position 6037, G replaced by C.
Protein change: p.Gly2013Arg; replaces glycine 2013 with arginine.
Molecular consequence: missense variant. On other transcripts: intron variant (2).
Genome position (GRCh38, 1-based): chr11:108,315,853, G>C. VCF-style: chr11-108315853-G-C. GRCh37 (hg19) VCF-style: chr11-108186580-G-C.
Other names: c.6037G>C, p.Gly2013Arg (NM_001351834.2); c.641-6782C>G (NM_001330368.2); c.*39-6782C>G (NM_001351110.2); short protein forms G2013R.
Identifiers: ClinVar variation 3222152 (VCV003222152.2), dbSNP rs2084587881, ClinGen allele CA382549907.

ClinVar aggregate classification (germline): Uncertain significance. Review status: criteria provided, multiple submitters, no conflicts (2 of 4 stars). 2 submissions from 2 submitters: Uncertain significance (2). Last evaluated 2025-02-04.

Conditions:
Ataxia-telangiectasia syndrome (AT). Also called: AT, COMPLEMENTATION GROUP C; Ataxia-telangiectasia, complementation group D; ATAXIA-TELANGIECTASIA, COMPLEMENTATION GROUP A; ATAXIA-TELANGIECTASIA, FRESNO VARIANT; Ataxia-telangiectasia; Ataxia-telangiectasia, complementation group E. Identifiers: Orphanet 100, MedGen C0004135, MONDO:0008840, OMIM 208900.
Hereditary cancer-predisposing syndrome. Also called: Tumor predisposition; Hereditary Cancer Syndrome; Hereditary neoplastic syndrome; Neoplastic Syndromes, Hereditary. Identifiers: Orphanet 140162, MedGen C0027672, MeSH D009386, MONDO:0015356.

Submissions (2):

Labcorp Genetics (formerly Invitae), Labcorp
Classification: Uncertain significance for Ataxia-telangiectasia syndrome. Last evaluated: 2025-02-04. Review status: criteria provided, single submitter. Criteria: Invitae Variant Classification Sherloc (09022015). Collection method: clinical testing. Allele origin: germline.
Comment: This sequence change replaces glycine, which is neutral and non-polar, with arginine, which is basic and polar, at codon 2013 of the ATM protein (p.Gly2013Arg). This variant is not present in population databases (gnomAD no frequency). This variant has not been reported in the literature in individuals affected with ATM-related conditions. ClinVar contains an entry for this variant (Variation ID: 3222152). Invitae Evidence Modeling of protein sequence and biophysical properties (such as structural, functional, and spatial information, amino acid conservation, physicochemical variation, residue mobility, and thermodynamic stability) has been performed for this missense variant. However, the output from this modeling did not meet the statistical confidence thresholds required to predict the impact of this variant on ATM protein function. In summary, the available evidence is currently insufficient to determine the role of this variant in disease. Therefore, it has been classified as a Variant of Uncertain Significance.

Ambry Genetics
Classification: Uncertain significance for Hereditary cancer-predisposing syndrome. Last evaluated: 2023-01-16. Review status: criteria provided, single submitter. Criteria: Ambry Variant Classification Scheme 2023. Collection method: clinical testing. Allele origin: germline.
Comment: The p.G2013R variant (also known as c.6037G>C), located in coding exon 40 of the ATM gene, results from a G to C substitution at nucleotide position 6037. The glycine at codon 2013 is replaced by arginine, an amino acid with dissimilar properties. This amino acid position is conserved. In addition, the in silico prediction for this alteration is inconclusive. Since supporting evidence is limited at this time, the clinical significance of this alteration remains unclear.